The following is an entry in ClinVar:

NM_000257.4(MYH7):c.572T>A (p.Val191Asp)

Gene: MYH7 (myosin heavy chain 7; minus strand). Cytogenetic location: 14q11.2.
Variant type: single nucleotide variant.
Coding change: c.572T>A on transcript NM_000257.4 (MANE Select); coding-DNA position 572, T replaced by A.
Protein change: p.Val191Asp; replaces valine 191 with aspartic acid.
Molecular consequence: missense variant.
Genome position (GRCh38, 1-based): chr14:23,431,828, A>T on the plus strand (T>A on the coding strand, the complement: MYH7 is on the minus strand). VCF-style: chr14-23431828-A-T. GRCh37 (hg19) VCF-style: chr14-23901037-A-T.
Other names: c.572T>A (LRG_384t1); short protein forms V191D.
Identifiers: ClinVar variation 234643 (VCV000234643.11), dbSNP rs876661135, ClinGen allele CA10577510.

ClinVar aggregate classification (germline): Uncertain significance. Review status: criteria provided, multiple submitters, no conflicts (2 of 4 stars). 3 submissions from 3 submitters: Uncertain significance (3). Last evaluated 2023-12-05.

Conditions:
Cardiomyopathy (CMYO). Also called: Cardiomyopathies. Identifiers: Orphanet 167848, MedGen C0878544, MONDO:0004994, HP:0001638. Inheritance: Various modes of inheritance.
Hypertrophic cardiomyopathy. Also called: HYPERTROPHIC MYOCARDIOPATHY. Identifiers: Orphanet 217569, MedGen C0007194, MeSH D002312, MONDO:0005045, HP:0001639.

Submissions (3):

Color Diagnostics, LLC DBA Color Health
Classification: Uncertain significance for Cardiomyopathy. Last evaluated: 2023-12-05. Review status: criteria provided, single submitter. Criteria: ACMG Guidelines, 2015. Collection method: clinical testing. Allele origin: germline.
Comment: Variant of Uncertain Significance due to insufficient evidence: This missense variant is located in the myosin head/motor domain of the MYH7 protein. Computational prediction tools and conservation analyses suggest that this variant may have deleterious impact on the protein function. Computational splicing tools suggest that this variant may not impact RNA splicing. To our knowledge, functional assays have not been performed for this variant nor has this variant been reported in individuals affected with cardiovascular disorders in the literature. This variant is rare in the general population and has been identified in 0/277264 chromosomes by the Genome Aggregation Database (gnomAD). Available evidence is insufficient to determine the pathogenicity of this variant conclusively.

Labcorp Genetics (formerly Invitae), Labcorp
Classification: Uncertain significance for Hypertrophic cardiomyopathy. Last evaluated: 2023-05-11. Review status: criteria provided, single submitter. Criteria: Invitae Variant Classification Sherloc (09022015). Collection method: clinical testing. Allele origin: germline.
Comment: In summary, the available evidence is currently insufficient to determine the role of this variant in disease. Therefore, it has been classified as a Variant of Uncertain Significance. Algorithms developed to predict the effect of sequence changes on RNA splicing suggest that this variant may disrupt the consensus splice site. Advanced modeling of protein sequence and biophysical properties (such as structural, functional, and spatial information, amino acid conservation, physicochemical variation, residue mobility, and thermodynamic stability) performed at Invitae indicates that this missense variant is expected to disrupt MYH7 protein function. ClinVar contains an entry for this variant (Variation ID: 234643). This variant has not been reported in the literature in individuals affected with MYH7-related conditions. This variant is not present in population databases (gnomAD no frequency). This sequence change replaces valine, which is neutral and non-polar, with aspartic acid, which is acidic and polar, at codon 191 of the MYH7 protein (p.Val191Asp).

GeneDx
Classification: Uncertain significance. Last evaluated: 2021-03-02. Review status: criteria provided, single submitter. Criteria: GeneDx Variant Classification Process June 2021. Collection method: clinical testing. Allele origin: germline. Affected: yes.
Comment: Has not been previously published as pathogenic or benign to our knowledge; Not observed in large population cohorts (Lek et al., 2016); In silico analysis supports that this missense variant has a deleterious effect on protein structure/function; Reported in ClinVar as a variant of uncertain significance (ClinVar Variant ID# 234643; Landrum et al., 2016)